The following is an entry in ClinVar:

NM_003238.6(TGFB2):c.1192C>G (p.Pro398Ala)

Gene: TGFB2 (transforming growth factor beta 2; plus strand). Cytogenetic location: 1q41.
Variant type: single nucleotide variant.
Coding change: c.1192C>G on transcript NM_003238.6 (MANE Select); coding-DNA position 1192, C replaced by G.
Protein change: p.Pro398Ala; replaces proline 398 with alanine.
Molecular consequence: missense variant. On other transcripts: non-coding transcript variant (2).
Genome position (GRCh38, 1-based): chr1:218,441,309, C>G. VCF-style: chr1-218441309-C-G. GRCh37 (hg19) VCF-style: chr1-218614651-C-G.
Other names: c.1276C>G, p.Pro426Ala (NM_001135599.4); short protein forms P398A, P426A.
Identifiers: ClinVar variation 4865637 (VCV004865637.1).
Genomic context (GRCh38, chr1:218,441,309, plus strand): 5'-CCTTGCTGCGTGTCCCAAGATTTAGAACCTCTAACCATTCTCTACTACATTGGCAAAACA[C>G]CCAAGATTGAACAGCTTTCTAATATGATTGTAAAGTCTTGCAAATGCAGCTAAAATTCTT-3'
Protein context (NP_003229.1, residues 388-408): LTILYYIGKT[Pro398Ala]KIEQLSNMIV

ClinVar aggregate classification (germline): Uncertain significance (1 of 4 stars; one submission).

Conditions:
Familial thoracic aortic aneurysm and aortic dissection (TAAD). Also called: Thoracic aortic aneurysms and dissections. Identifiers: Orphanet 91387, MedGen C4707243, MONDO:0019625.

Submission:

Ambry Genetics
Classification: Uncertain significance for Familial thoracic aortic aneurysm and aortic dissection. Last evaluated: 2026-03-21. Review status: criteria provided, single submitter. Criteria: Ambry Variant Classification Scheme 2023. Collection method: clinical testing. Allele origin: germline.
Comment: The p.P398A variant (also known as c.1192C>G), located in coding exon 7 of the TGFB2 gene, results from a C to G substitution at nucleotide position 1192. The proline at codon 398 is replaced by alanine, an amino acid with highly similar properties. This amino acid position is conserved. In addition, the in silico prediction for this alteration is inconclusive. Based on the available evidence, the clinical significance of this variant remains unclear.